The following is an entry in ClinVar:

ClinVar aggregate classification (germline): Uncertain significance. Review status: criteria provided, multiple submitters, no conflicts (2 of 4 stars). 2 submissions from 2 submitters: Uncertain significance (2). Last evaluated 2025-03-22.

Conditions:
Inborn genetic diseases. Identifiers: MedGen C0950123, MeSH D030342.
Primary ciliary dyskinesia 32. Also called: CILIARY DYSKINESIA, PRIMARY, 32, WITHOUT SITUS INVERSUS. Identifiers: Orphanet 244, MedGen C4225311, MONDO:0014657, OMIM 616481.

Allele frequency attached by ClinVar (database versions not stated): TOPMed below 0.00001; gnomAD 0.00001.
gnomAD v4.1: 18 of 1,613,720 alleles (0.0011%); highest among the groups gnomAD compares: South Asian, 0.0022%; no homozygotes.

Submissions (2):

Ambry Genetics
Classification: Uncertain significance for Inborn genetic diseases. Last evaluated: 2025-03-22. Review status: criteria provided, single submitter. Criteria: Ambry Variant Classification Scheme 2023. Collection method: clinical testing. Allele origin: germline.

Labcorp Genetics (formerly Invitae), Labcorp
Classification: Uncertain significance for Primary ciliary dyskinesia 32. Last evaluated: 2022-03-28. Review status: criteria provided, single submitter. Criteria: Invitae Variant Classification Sherloc (09022015). Collection method: clinical testing. Allele origin: germline.
Comment: Algorithms developed to predict the effect of missense changes on protein structure and function are either unavailable or do not agree on the potential impact of this missense change (SIFT: "Deleterious"; PolyPhen-2: "Possibly Damaging"; Align-GVGD: "Class C0"). In summary, the available evidence is currently insufficient to determine the role of this variant in disease. Therefore, it has been classified as a Variant of Uncertain Significance. Algorithms developed to predict the effect of sequence changes on RNA splicing suggest that this variant may disrupt the consensus splice site. This variant has not been reported in the literature in individuals affected with RSPH3-related conditions. This variant is not present in population databases (gnomAD no frequency). This sequence change replaces arginine, which is basic and polar, with tryptophan, which is neutral and slightly polar, at codon 223 of the RSPH3 protein (p.Arg223Trp).

NM_031924.8(RSPH3):c.241C>T (p.Arg81Trp)

Gene: RSPH3 (radial spoke head 3; minus strand). Cytogenetic location: 6q25.3.
Variant type: single nucleotide variant.
Coding change: c.241C>T on transcript NM_031924.8 (MANE Select); coding-DNA position 241, C replaced by T.
Protein change: p.Arg81Trp; replaces arginine 81 with tryptophan.
Molecular consequence: missense variant. On other transcripts: non-coding transcript variant (1), intron variant (1).
Genome position (GRCh38, 1-based): chr6:158,986,385, G>A on the plus strand (C>T on the coding strand, the complement: RSPH3 is on the minus strand). VCF-style: chr6-158986385-G-A. GRCh37 (hg19) VCF-style: chr6-159407417-G-A.
Other names: c.667C>T (NM_031924.4); c.631-3697C>T (NM_001346418.1); short protein forms R81W.
Identifiers: ClinVar variation 2143864 (VCV002143864.5), dbSNP rs992217360, ClinGen allele CA151043278.